The following is an entry in ClinVar:

ClinVar aggregate classification (germline): Uncertain significance (1 of 4 stars; one submission).

Conditions:
Peripheral neuropathy. Also called: Neuropathy. Identifiers: MedGen C0031117, MONDO:0005244, HP:0009830.

Submission:

Labcorp Genetics (formerly Invitae), Labcorp
Classification: Uncertain significance for Peripheral neuropathy. Last evaluated: 2022-07-05. Review status: criteria provided, single submitter. Criteria: Invitae Variant Classification Sherloc (09022015). Collection method: clinical testing. Allele origin: germline.
Comment: In summary, the available evidence is currently insufficient to determine the role of this variant in disease. Therefore, it has been classified as a Variant of Uncertain Significance. Algorithms developed to predict the effect of missense changes on protein structure and function (SIFT, PolyPhen-2, Align-GVGD) all suggest that this variant is likely to be tolerated. ClinVar contains an entry for this variant (Variation ID: 640772). This variant has not been reported in the literature in individuals affected with FLRT1-related conditions. This variant is not present in population databases (gnomAD no frequency). This sequence change replaces methionine, which is neutral and non-polar, with leucine, which is neutral and non-polar, at codon 356 of the FLRT1 protein (p.Met356Leu).

NM_013280.5(FLRT1):c.1066A>C (p.Met356Leu)

Genes: FLRT1 (fibronectin leucine rich transmembrane protein 1; plus strand), MACROD1 (mono-ADP ribosylhydrolase 1; minus strand). Cytogenetic location: 11q13.1.
Variant type: single nucleotide variant.
Coding change: c.1066A>C on transcript NM_013280.5 (MANE Select); coding-DNA position 1066, A replaced by C.
Protein change: p.Met356Leu; replaces methionine 356 with leucine.
Molecular consequence: missense variant. On other transcripts: intron variant (2).
Genome position (GRCh38, 1-based): chr11:64,117,333, A>C. VCF-style: chr11-64117333-A-C. GRCh37 (hg19) VCF-style: chr11-63884805-A-C.
Other names: c.1066A>C, p.Met356Leu (NM_001384466.1); c.982A>C, p.Met328Leu (NM_001423967.1); c.517+33906T>G (NM_001411019.1, NM_014067.4); short protein forms M356L, M328L.
Identifiers: ClinVar variation 640772 (VCV000640772.8), dbSNP rs1590933528, ClinGen allele CA381059381.
Genomic context (GRCh38, chr11:64,117,333, plus strand): 5'-CTCATGTGGCTGCGGGACTGGGTGAAGGCACGGGCGGCCGTGGTCAACGTGCGGGGCCTC[A>C]TGTGCCAGGGCCCTGAGAAGGTCCGGGGCATGGCCATCAAGGACATTACCAGCGAGATGG-3'
Protein context (NP_037412.2, residues 346-366): RAAVVNVRGL[Met356Leu]CQGPEKVRGM